The following is an entry in ClinVar:

ClinVar aggregate classification (germline): Uncertain significance (1 of 4 stars; one submission).

Conditions:
POLD1-related polyposis and colorectal cancer syndrome (CRCS10). Also called: Colorectal cancer, susceptibility to, 10; Colorectal cancer 10; COLORECTAL CANCER, SUSCEPTIBILITY TO, ON CHROMOSOME 19q. Identifiers: Orphanet 220460, MedGen C2675481, MONDO:0012953, OMIM 612591.

Submission:

Labcorp Genetics (formerly Invitae), Labcorp
Classification: Uncertain significance for POLD1-related polyposis and colorectal cancer syndrome. Last evaluated: 2020-07-09. Review status: criteria provided, single submitter. Criteria: Invitae Variant Classification Sherloc (09022015). Collection method: clinical testing. Allele origin: germline.
Comment: This sequence change creates a premature translational stop signal (p.Pro123Glyfs*45) in the POLD1 gene. It is expected to result in an absent or disrupted protein product. This variant is not present in population databases (ExAC no frequency). Missense variants that disrupt the 3'-5' exonuclease (proof-reading) activity of the POLD1 protein, while not abolishing its polymerase enzyme activity, are associated with an increased risk for colonic adenomatous polyps and colon cancer (PMID: 23263490, 23447401). Loss-of-function variants, which result in an absent or severely disrupted POLD1 protein, are therefore unlikely to be associated with disease. Without further clinical and genetic evidence, however, this variant has been classified as a Variant of Uncertain Significance. This variant has not been reported in the literature in individuals with POLD1-related disease.

Literature cited by the submitters: PubMed 23263490; PubMed 23447401.

NM_002691.4(POLD1):c.366_371delinsAG (p.Pro123fs)

Gene: POLD1 (DNA polymerase delta 1, catalytic subunit; plus strand). Cytogenetic location: 19q13.33.
Variant type: Indel.
Coding change: c.366_371delinsAG on transcript NM_002691.4 (MANE Select); coding-DNA positions 366 to 371, GCCTGT replaced by AG.
Protein change: p.Pro123fs; shifts the reading frame from proline 123.
Molecular consequence: frameshift variant. On other transcripts: non-coding transcript variant (1).
Genome position (GRCh38, 1-based): chr19:50,401,827-50,401,832, GCCTGT replaced by AG. VCF-style: chr19-50401827-GCCTGT-AG. GRCh37 (hg19) VCF-style: chr19-50905084-GCCTGT-AG.
Other names: c.366_371delinsAG, p.Pro123fs (NM_001256849.1, NM_001308632.1); short protein forms P123fs.
Identifiers: ClinVar variation 647902 (VCV000647902.5), dbSNP rs1601198444, ClinGen allele CA915951917.